The following is an entry in ClinVar:

ClinVar aggregate classification (germline): Uncertain significance. Review status: criteria provided, multiple submitters, no conflicts (2 of 4 stars). 2 submissions from 2 submitters: Uncertain significance (2). Last evaluated 2025-08-05.

Conditions:
Atrioventricular septal defect 4 (AVSD4). Identifiers: MedGen C3280781, MONDO:0013747, OMIM 614430.

gnomAD v4.1: 6 of 1,614,234 alleles (0.00037%); highest among the groups gnomAD compares: East Asian, 0.0022%; no homozygotes.

Submissions (2):

Labcorp Genetics (formerly Invitae), Labcorp
Classification: Uncertain significance for Atrioventricular septal defect 4. Last evaluated: 2025-08-05. Review status: criteria provided, single submitter. Criteria: Invitae Variant Classification Sherloc (09022015). Collection method: clinical testing. Allele origin: germline.
Comment: This sequence change replaces glutamic acid, which is acidic and polar, with glycine, which is neutral and non-polar, at codon 360 of the GATA4 protein (p.Glu360Gly). This variant is present in population databases (rs749880626, gnomAD 0.006%). This missense change has been observed in individual(s) with ventricular septal defect (PMID: 23626780, 29377543). ClinVar contains an entry for this variant (Variation ID: 3720800). Invitae Evidence Modeling of protein sequence and biophysical properties (such as structural, functional, and spatial information, amino acid conservation, physicochemical variation, residue mobility, and thermodynamic stability) indicates that this missense variant is not expected to disrupt GATA4 protein function with a negative predictive value of 95%. Experimental studies have shown that this missense change affects GATA4 function (PMID: 23626780). In summary, the available evidence is currently insufficient to determine the role of this variant in disease. Therefore, it has been classified as a Variant of Uncertain Significance.

GeneDx
Classification: Uncertain significance. Last evaluated: 2024-12-04. Review status: criteria provided, single submitter. Criteria: GeneDx Variant Classification Process June 2021. Collection method: clinical testing. Allele origin: germline. Affected: yes.
Comment: Not observed at significant frequency in large population cohorts (gnomAD); In silico analysis indicates that this missense variant does not alter protein structure/function; Reported in a patient with congenital heart disease; however, familial segregation information and additional clinical information were not provided; This variant is associated with the following publications: (PMID: Zhang2011[abstract], 30152191, 23626780, 29377543, 35047139)

Literature cited by the submitters: PubMed 23626780 (cited by Labcorp Genetics (formerly Invitae), Labcorp); PubMed 29377543 (cited by Labcorp Genetics (formerly Invitae), Labcorp).

NM_001308093.3(GATA4):c.1082A>G (p.Glu361Gly)

Gene: GATA4 (GATA binding protein 4). Cytogenetic location: 8p23.1.
Variant type: single nucleotide variant.
Coding change: c.1082A>G on transcript NM_001308093.3 (MANE Select); coding-DNA position 1082, A replaced by G.
Protein change: p.Glu361Gly; replaces glutamic acid 361 with glycine.
Molecular consequence: missense variant.
Genome position (GRCh38, 1-based): chr8:11,757,016, A>G. VCF-style: chr8-11757016-A-G. GRCh37 (hg19) VCF-style: chr8-11614525-A-G.
Other names: c.1079A>G (NM_002052.3); c.461A>G, p.Glu154Gly (NM_001308094.2, NM_001374273.1); c.335A>G, p.Glu112Gly (NM_001374274.1); c.1079A>G, p.Glu360Gly (NM_002052.5); short protein forms E154G, E361G, E112G, E360G.
Identifiers: ClinVar variation 3720800 (VCV003720800.3).
Genomic context (GRCh38, chr8:11,757,016, plus strand): 5'-TTCCTCCCGCCAGCGGTGCTTCCAGCAACTCCAGCAACGCCACCACCAGCAGCAGCGAGG[A>G]GATGCGTCCCATCAAGACGGAGCCTGGCCTGTCATCTCACTACGGGCACAGCAGCTCCGT-3'
Protein context (NP_001295022.1, residues 351-371): SSNATTSSSE[Glu361Gly]MRPIKTEPGL